The following is an entry in ClinVar:

ClinVar aggregate classification (germline): Pathogenic. Review status: reviewed by expert panel (3 of 4 stars). 2 submissions from 2 submitters: Pathogenic (1). 1 of the submissions does not count toward it. Last evaluated 2026-09-26.

Conditions:
RPGR-related retinopathy. Also called: RPGR retinopathy. Identifiers: MedGen CN305589, MONDO:0100437.
RPGR-related disorder. Also called: RPGR-related condition.

Submissions (2):

ClinGen X-linked Inherited Retinal Disease Variant Curation Expert Panel, ClinGen
Classification: Pathogenic for RPGR-related retinopathy. Last evaluated: 2026-09-26. Review status: reviewed by expert panel. Criteria: ClinGen X LinkedIRD ACMG Specifications RPGR V1.0.0. Collection method: curation. Allele origin: germline. Inheritance: X-linked inheritance.
Comment: The NM_001034853.2(RPGR):c.778+1G>C variant is a canonical splice site variant in intron 7, located 1 nucleotide after exon 7. This variant occurs at a canonical splice site in intron 7 and is predicted to disrupt splicing and induce skipping of exon 7, which is expected to disrupt a critical functional domain in RPGR (PVS1). This variant is absent from gnomAD v4.1.0 (PM2_Supporting). This variant is found in the +/- 1,2 dinucleotide and meets PVS1 (met) and another variant, c.778+5G>A, was previously classified as likely pathogenic in the same donor motif outside of the +-1,2 dinucleotide for the RPGR-related retinopathy by ClinGen X-linked IRD VCEP (PS1_supporting). This variant has been reported in at least 1 proband meeting the PS4 requirement of a male with some functional vision impairment by age 30 and/or decreased or absent ERG responses, or a female with functional visual abnormality and documentation of a male relative affected with retinitis pigmentosa (PMIDs: 17195164, 25472526). PS4_Supporting requires at least 2 unrelated probands, so this criterion was not met. In summary, this variant is classified as pathogenic for RPGR-related retinopathy based on the ClinGen X-linked Inherited Retinal Disease Expert Panel Specifications to the ACMG/AMP Variant Interpretation Guidelines for RPGR Version 1.0.0: PVS1, PM2_Supporting, and PS1_Supporting.

Blueprint Genetics
Classification: Pathogenic for RPGR-related disorders. Last evaluated: 2022-03-24. Review status: criteria provided, single submitter. Criteria: ACMG Guidelines, 2015. Collection method: clinical testing. Allele origin: germline. Affected: yes. Observed: 1 variant allele. Not counted in ClinVar's aggregate classification.

NM_001034853.2(RPGR):c.778+1G>C

Gene: RPGR (retinitis pigmentosa GTPase regulator; minus strand). Cytogenetic location: Xp11.4.
Variant type: single nucleotide variant.
Coding change: c.778+1G>C on transcript NM_001034853.2 (MANE Select); the canonical splice donor site of the intron after coding-DNA position 778, G replaced by C.
Molecular consequence: splice donor variant.
Genome position (GRCh38, 1-based): chrX:38,310,614, C>G on the plus strand (G>C on the coding strand, the complement: RPGR is on the minus strand). VCF-style: chrX-38310614-C-G. GRCh37 (hg19) VCF-style: chrX-38169867-C-G.
Other names: NM_001034853.2:c.778+1G>C; c.775+1G>C (NM_001367249.1, NM_001367250.1, NM_001367245.1); c.778+1G>C (NM_001367251.1, NM_001367246.1, NM_001367247.1 and 1 more transcripts); c.808+1G>C (NM_001367248.1).
Identifiers: ClinVar variation 4949831 (VCV004949831.2).